The following is an entry in ClinVar:

ClinVar aggregate classification (germline): Uncertain significance (1 of 4 stars; one submission).

Allele frequency attached by ClinVar (database versions not stated): gnomAD exomes below 0.00001.
gnomAD v4.1: 3 of 1,613,044 alleles (0.00019%); highest among the groups gnomAD compares: South Asian, 0.0033%; no homozygotes.

Submission:

Labcorp Genetics (formerly Invitae), Labcorp
Classification: Uncertain significance. Last evaluated: 2024-04-25. Review status: criteria provided, single submitter. Criteria: Invitae Variant Classification Sherloc (09022015). Collection method: clinical testing. Allele origin: germline.
Comment: This sequence change replaces glutamic acid, which is acidic and polar, with valine, which is neutral and non-polar, at codon 483 of the CFB protein (p.Glu483Val). This variant is not present in population databases (gnomAD no frequency). This variant has not been reported in the literature in individuals affected with CFB-related conditions. Advanced modeling of protein sequence and biophysical properties (such as structural, functional, and spatial information, amino acid conservation, physicochemical variation, residue mobility, and thermodynamic stability) performed at Invitae indicates that this missense variant is not expected to disrupt CFB protein function with a negative predictive value of 80%. In summary, the available evidence is currently insufficient to determine the role of this variant in disease. Therefore, it has been classified as a Variant of Uncertain Significance.

NM_001710.6(CFB):c.1448A>T (p.Glu483Val)

Gene: CFB (complement factor B; plus strand). Cytogenetic location: 6p21.33.
Variant type: single nucleotide variant.
Coding change: c.1448A>T on transcript NM_001710.6 (MANE Select); coding-DNA position 1448, A replaced by T.
Protein change: p.Glu483Val; replaces glutamic acid 483 with valine.
Molecular consequence: missense variant.
Genome position (GRCh38, 1-based): chr6:31,950,089, A>T. VCF-style: chr6-31950089-A-T. GRCh37 (hg19) VCF-style: chr6-31917866-A-T.
Other names: short protein forms E483V.
Identifiers: ClinVar variation 2761691 (VCV002761691.3), dbSNP rs2482701254, ClinGen allele CA363405114.